The following is an entry in ClinVar:

ClinVar aggregate classification (germline): Likely benign. Review status: reviewed by expert panel (3 of 4 stars). 2 submissions from 2 submitters: Likely benign (1). 1 of the submissions does not count toward it. Last evaluated 2025-09-05.

Conditions:
Primary ciliary dyskinesia. Also called: Ciliary dyskinesia. Identifiers: Orphanet 244, MedGen C0008780, MONDO:0016575, HP:0012265.
RPGR-related retinopathy. Also called: RPGR retinopathy. Identifiers: MedGen CN305589, MONDO:0100437.

Submissions (2):

ClinGen X-linked Inherited Retinal Disease Variant Curation Expert Panel, ClinGen
Classification: Likely benign for RPGR-related retinopathy. Last evaluated: 2025-09-05. Review status: reviewed by expert panel. Criteria: ClinGen X LinkedIRD ACMG Specifications RPGR V1.0.0. Collection method: curation. Allele origin: germline. Inheritance: X-linked inheritance.
Comment: NM_001034853.2(RPGR):c.3451T>C (p.Leu1151=) is a synonymous variant at codon 1151 within exon 15 of 15, with no predicted impact on splicing (BP7). The splicing impact predictor SpliceAI gives a delta score of 0.00, which is below the ClinGen X-linked IRD VCEP recommended threshold of <0.1 and does not strongly predict an impact on splicing (BP4). This variant is absent from gnomAD v4.1.0 (PM2_Supporting). In summary, this variant is classified as likely benign for RPGR-related retinopathy based on the ClinGen X-linked Inherited Retinal Disease Expert Panel Specifications to the ACMG/AMP Variant Interpretation Guidelines for RPGR Version 1.0.0; PM2_Supporting, BP4 and BP7.

Labcorp Genetics (formerly Invitae), Labcorp
Classification: Likely benign for Primary ciliary dyskinesia. Last evaluated: 2022-05-21. Review status: criteria provided, single submitter. Criteria: Invitae Variant Classification Sherloc (09022015). Collection method: clinical testing. Allele origin: germline. Not counted in ClinVar's aggregate classification.

NM_001034853.2(RPGR):c.3451T>C (p.Leu1151=)

Gene: RPGR (retinitis pigmentosa GTPase regulator; minus strand). Cytogenetic location: Xp11.4.
Variant type: single nucleotide variant.
Coding change: c.3451T>C on transcript NM_001034853.2 (MANE Select); coding-DNA position 3451, T replaced by C.
Protein change: p.Leu1151=; no amino-acid change (leucine 1151 retained).
Molecular consequence: synonymous variant. On other transcripts: intron variant (8).
Genome position (GRCh38, 1-based): chrX:38,285,548, A>G on the plus strand (T>C on the coding strand, the complement: RPGR is on the minus strand). VCF-style: chrX-38285548-A-G. GRCh37 (hg19) VCF-style: chrX-38144801-A-G.
Other names: NM_001034853.2(RPGR):c.3451T>C; p.Leu1151=; c.1569+5411T>C (NM_001367249.1, NM_001367250.1); c.1902+1546T>C (NM_001367245.1); c.1386+5411T>C (NM_001367251.1); c.1719+1546T>C (NM_001367246.1); c.1572+5411T>C (NM_001367247.1); c.1905+1546T>C (NM_000328.3); and 1 more.
Identifiers: ClinVar variation 2067560 (VCV002067560.5), dbSNP rs2519779445, ClinGen allele CA515708874.